The following is an entry in ClinVar:

NM_138691.3(TMC1):c.363-2237_535+476del

Gene: TMC1 (transmembrane channel like 1; plus strand). Cytogenetic location: 9q21.13.
Variant type: Deletion.
Coding change: c.363-2237_535+476del on transcript NM_138691.3 (MANE Select); 2237 bases into the intron before coding-DNA position 363 through 476 bases into the intron after coding-DNA position 535, 5,120 bases deleted.
Molecular consequence: splice acceptor variant, splice donor variant.
Genome position (GRCh38, 1-based): chr9:72,737,882-72,743,001, 5,120 bases deleted. GRCh37 (hg19): chr9:75,352,798-75,357,917.
Identifiers: ClinVar variation 5020067 (VCV005020067.1).

ClinVar aggregate classification (germline): Pathogenic (1 of 4 stars; one submission).

Conditions:
Autosomal recessive nonsyndromic hearing loss 7. Also called: DEAFNESS, AUTOSOMAL RECESSIVE 11. Identifiers: Orphanet 90636, MedGen C1832978, MONDO:0010967, OMIM 600974.

Submission:

Institute of Rare Diseases, West China Hospital, Sichuan University
Classification: Pathogenic for Autosomal recessive nonsyndromic hearing loss 7. Last evaluated: 2026-09-13. Review status: criteria provided, single submitter. Criteria: ACMG/ClinGen CNV Guidelines, 2019. Collection method: clinical testing. Allele origin: germline. Inheritance: Autosomal recessive inheritance. Affected: yes.
Comment: Intragenic deletion of TMC1 gene, loss‑of‑function variant(PVS1). Extremely rare in population database (PM2_Supporting). ACMG classification: pathogenic(PVS1,PM2_Supporting,PM3).

Literature cited by the submitters: PubMed 29300386.